The following is an entry in ClinVar:

ClinVar aggregate classification (germline): Conflicting classifications of pathogenicity. Review status: criteria provided, conflicting classifications (1 of 4 stars). 4 submissions from 4 submitters: Uncertain significance (3); Benign (1). Last evaluated 2025-10-28.

Conditions:
Hereditary cancer-predisposing syndrome. Also called: Hereditary neoplastic syndrome; Neoplastic Syndromes, Hereditary; Hereditary Cancer Syndrome; Tumor predisposition. Identifiers: Orphanet 140162, MedGen C0027672, MeSH D009386, MONDO:0015356.
Tuberous sclerosis 2 (TSC2). Identifiers: Orphanet 805, MedGen C1860707, MONDO:0013199, OMIM 613254.

Allele frequency attached by ClinVar (database versions not stated): gnomAD exomes below 0.00001.
gnomAD v4.1: 1 of 1,613,696 alleles (0.000062%); highest among the groups gnomAD compares: Non-Finnish European, 0.000085%; no homozygotes.

Submissions (4):

Labcorp Genetics (formerly Invitae), Labcorp
Classification: Benign for Tuberous sclerosis 2. Last evaluated: 2025-10-28. Review status: criteria provided, single submitter. Criteria: Invitae Variant Classification Sherloc (09022015). Collection method: clinical testing. Allele origin: germline.

Ambry Genetics
Classification: Uncertain significance for Hereditary cancer-predisposing syndrome. Last evaluated: 2024-09-20. Review status: criteria provided, single submitter. Criteria: Ambry Variant Classification Scheme 2023. Collection method: clinical testing. Allele origin: germline.
Comment: The p.D549G variant (also known as c.1646A>G), located in coding exon 15 of the TSC2 gene, results from an A to G substitution at nucleotide position 1646. The aspartic acid at codon 549 is replaced by glycine, an amino acid with similar properties. This amino acid position is well conserved in available vertebrate species. In addition, the in silico prediction for this alteration is inconclusive. Based on the available evidence, the clinical significance of this variant remains unclear.

GeneDx
Classification: Uncertain significance. Last evaluated: 2023-01-13. Review status: criteria provided, single submitter. Criteria: GeneDx Variant Classification Process June 2021. Collection method: clinical testing. Allele origin: germline. Affected: yes.
Comment: In silico analysis supports that this missense variant has a deleterious effect on protein structure/function; Has not been previously published as pathogenic or benign to our knowledge

Blueprint Genetics
Classification: Uncertain significance. Last evaluated: 2020-02-19. Review status: criteria provided, single submitter. Criteria: ACMG Guidelines, 2015. Collection method: clinical testing. Allele origin: germline.

NM_000548.5(TSC2):c.1646A>G (p.Asp549Gly)

Gene: TSC2 (TSC complex subunit 2; plus strand). Cytogenetic location: 16p13.3.
Variant type: single nucleotide variant.
Coding change: c.1646A>G on transcript NM_000548.5 (MANE Select); coding-DNA position 1646, A replaced by G.
Protein change: p.Asp549Gly; replaces aspartic acid 549 with glycine.
Molecular consequence: missense variant.
Genome position (GRCh38, 1-based): chr16:2,065,565, A>G. VCF-style: chr16-2065565-A-G. GRCh37 (hg19) VCF-style: chr16-2115566-A-G.
Other names: c.1646A>G, p.Asp549Gly (NM_001077183.3, NM_001114382.3, NM_001363528.2 and 3 more transcripts); c.1535A>G, p.Asp512Gly (NM_001318827.2); c.1499A>G, p.Asp500Gly (NM_001318829.2); c.1046A>G, p.Asp349Gly (NM_001318831.2); c.1679A>G, p.Asp560Gly (NM_001318832.2); short protein forms D549G, D500G, D349G, D560G, D512G.
Identifiers: ClinVar variation 467887 (VCV000467887.16), dbSNP rs1170792905, ClinGen allele CA394267934.